The following is an entry in ClinVar:

NM_052867.4(NALCN):c.517C>T (p.Arg173Ter)

Gene: NALCN (sodium leak channel, non-selective; minus strand). Cytogenetic location: 13q33.1.
Variant type: single nucleotide variant.
Coding change: c.517C>T on transcript NM_052867.4 (MANE Select); coding-DNA position 517, C replaced by T.
Protein change: p.Arg173Ter; replaces arginine 173 with a stop codon.
Molecular consequence: nonsense.
Genome position (GRCh38, 1-based): chr13:101,376,827, G>A on the plus strand (C>T on the coding strand, the complement: NALCN is on the minus strand). VCF-style: chr13-101376827-G-A. GRCh37 (hg19) VCF-style: chr13-102029178-G-A.
Other names: c.517C>T, p.Arg173Ter (NM_001350748.2, NM_001350749.2, NM_001350750.2 and 1 more transcripts); short protein forms R173*.
Identifiers: ClinVar variation 4761377 (VCV004761377.1).

ClinVar aggregate classification (germline): Pathogenic (1 of 4 stars; one submission).

gnomAD v4.1: 2 of 1,612,014 alleles (0.00012%); highest among the groups gnomAD compares: African/African-American, 0.0013%; no homozygotes.

Submission:

Labcorp Genetics (formerly Invitae), Labcorp
Classification: Pathogenic. Last evaluated: 2025-11-24. Review status: criteria provided, single submitter. Criteria: Invitae Variant Classification Sherloc (09022015). Collection method: clinical testing. Allele origin: germline.
Comment: This sequence change creates a premature translational stop signal (p.Arg173*) in the NALCN gene. It is expected to result in an absent or disrupted protein product. Loss-of-function variants in NALCN are known to be pathogenic (PMID: 23749988, 24075186). This variant is not present in population databases (gnomAD no frequency). This variant has not been reported in the literature in individuals affected with NALCN-related conditions. For these reasons, this variant has been classified as Pathogenic.

Literature cited by the submitters: PubMed 23749988; PubMed 24075186.